The following is an entry in ClinVar:

ClinVar aggregate classification (germline): Uncertain significance (1 of 4 stars; one submission).

gnomAD v4.1: 1 of 1,614,216 alleles (0.000062%); highest among the groups gnomAD compares: Non-Finnish European, 0.000085%; no homozygotes.

Submission:

Labcorp Genetics (formerly Invitae), Labcorp
Classification: Uncertain significance. Last evaluated: 2022-02-25. Review status: criteria provided, single submitter. Criteria: Invitae Variant Classification Sherloc (09022015). Collection method: clinical testing. Allele origin: germline.
Comment: In summary, the available evidence is currently insufficient to determine the role of this variant in disease. Therefore, it has been classified as a Variant of Uncertain Significance. Algorithms developed to predict the effect of missense changes on protein structure and function output the following: SIFT: "Tolerated"; PolyPhen-2: "Benign"; Align-GVGD: "Class C0". The proline amino acid residue is found in multiple mammalian species, which suggests that this missense change does not adversely affect protein function. This variant has not been reported in the literature in individuals affected with SNAP29-related conditions. This variant is not present in population databases (gnomAD no frequency). This sequence change replaces glutamine, which is neutral and polar, with proline, which is neutral and non-polar, at codon 134 of the SNAP29 protein (p.Gln134Pro).

NM_004782.4(SNAP29):c.401A>C (p.Gln134Pro)

Gene: SNAP29 (synaptosome associated protein 29; plus strand). Cytogenetic location: 22q11.21.
Variant type: single nucleotide variant.
Coding change: c.401A>C on transcript NM_004782.4 (MANE Select); coding-DNA position 401, A replaced by C.
Protein change: p.Gln134Pro; replaces glutamine 134 with proline.
Molecular consequence: missense variant.
Genome position (GRCh38, 1-based): chr22:20,870,500, A>C. VCF-style: chr22-20870500-A-C. GRCh37 (hg19) VCF-style: chr22-21224788-A-C.
Other names: short protein forms Q134P.
Identifiers: ClinVar variation 1936057 (VCV001936057.5), dbSNP rs2518511888, ClinGen allele CA410757096.